The following is an entry in ClinVar:

NM_001267550.2(TTN):c.11311+1835G>A

Gene: TTN (titin; minus strand). Cytogenetic location: 2q31.2.
Variant type: single nucleotide variant.
Coding change: c.11311+1835G>A on transcript NM_001267550.2 (MANE Select); 1835 bases into the intron after coding-DNA position 11311, G replaced by A.
Molecular consequence: intron variant. On other transcripts: missense variant (1).
Genome position (GRCh38, 1-based): chr2:178,751,289, C>T on the plus strand (G>A on the coding strand, the complement: TTN is on the minus strand). VCF-style: chr2-178751289-C-T. GRCh37 (hg19) VCF-style: chr2-179616016-C-T.
Other names: c.11111G>A, p.Arg3704His (NM_133379.5); c.10222+1835G>A (NM_003319.4); c.10798+1835G>A (NM_133437.4); c.10597+1835G>A (NM_133432.3); c.10360+1835G>A (NM_133378.4, NM_001256850.1); short protein forms R3704H.
Identifiers: ClinVar variation 4074344 (VCV004074344.2).

ClinVar aggregate classification (germline): Uncertain significance (1 of 4 stars; one submission).

gnomAD v4.1: 55 of 1,611,144 alleles (0.0034%); highest among the groups gnomAD compares: Non-Finnish European, 0.0043%; no homozygotes.

Submission:

GeneDx
Classification: Uncertain significance. Last evaluated: 2026-10-09. Review status: criteria provided, single submitter. Criteria: GeneDx Variant Classification Process June 2021. Collection method: clinical testing. Allele origin: germline.
Comment: Not observed at significant frequency in large population cohorts (gnomAD); Missense variant in a gene in which most reported pathogenic variants are truncating/loss of function; Has not been previously published as pathogenic or benign to our knowledge; Reported using an alternate transcript of the gene known as novex-3; it is currently unclear whether the novex-3 isoform integrates into the sarcomere, and loss-of function variants in novex-3 were not enriched in individuals with dilated cardiomyopathy in one study (PMID: 22335739, 38877142); This variant is associated with the following publications: (PMID: 22335739, 38877142)